The following is an entry in ClinVar:

NM_001130823.3(DNMT1):c.64G>A (p.Asp22Asn)

Genes: DNMT1 (DNA methyltransferase 1; minus strand), LOC130063472 (ATAC-STARR-seq lymphoblastoid silent region 10057; plus strand). Cytogenetic location: 19p13.2.
Variant type: single nucleotide variant.
Coding change: c.64G>A on transcript NM_001130823.3 (MANE Select); coding-DNA position 64, G replaced by A.
Protein change: p.Asp22Asn; replaces aspartic acid 22 with asparagine.
Molecular consequence: missense variant. On other transcripts: 5 prime UTR variant (1).
Genome position (GRCh38, 1-based): chr19:10,194,836, C>T on the plus strand (G>A on the coding strand, the complement: DNMT1 is on the minus strand). VCF-style: chr19-10194836-C-T. GRCh37 (hg19) VCF-style: chr19-10305512-C-T.
Other names: c.64G>A, p.Asp22Asn (NM_001318730.2, NM_001379.4); c.-260G>A (NM_001318731.2); short protein forms D22N.
Identifiers: ClinVar variation 1753901 (VCV001753901.2), dbSNP rs1224343919, ClinGen allele CA403950173.
Genomic context (GRCh38, chr19:10,194,836, plus strand): 5'-CCTGCCTGTCCCCCTGAGTCCGTGTTCCCCCCCATGGTACCTACCGCCTGCGGACATCGT[C>T]GGGCAGCGAGATGGCCGGGACGGCCAGTGTGGGCACCCGGGCTGGGGCGGTACGCGCCGG-3'
Protein context (NP_001124295.1, residues 12-32): TLAVPAISLP[Asp22Asn]DVRRRLKDLE

ClinVar aggregate classification (germline): Uncertain significance (1 of 4 stars; one submission).

Conditions:
Inborn genetic diseases. Identifiers: MedGen C0950123, MeSH D030342.

Allele frequency attached by ClinVar (database versions not stated): gnomAD exomes below 0.00001; gnomAD 0.00001; TOPMed 0.00001.
gnomAD v4.1: 4 of 1,611,726 alleles (0.00025%); highest among the groups gnomAD compares: Non-Finnish European, 0.00034%; no homozygotes.

Submission:

Ambry Genetics
Classification: Uncertain significance for Inborn genetic diseases. Last evaluated: 2020-10-22. Review status: criteria provided, single submitter. Criteria: Ambry Variant Classification Scheme 2023. Collection method: clinical testing. Allele origin: germline.
Comment: The p.D22N variant (also known as c.64G>A), located in coding exon 1 of the DNMT1 gene, results from a G to A substitution at nucleotide position 64. The aspartic acid at codon 22 is replaced by asparagine, an amino acid with highly similar properties. This amino acid position is highly conserved in available vertebrate species. In addition, this alteration is predicted to be tolerated by in silico analysis. Since supporting evidence is limited at this time, the clinical significance of this alteration remains unclear.